The following is an entry in ClinVar:

NM_000355.4(TCN2):c.1117C>T (p.Gln373Ter)

Gene: TCN2 (transcobalamin 2; plus strand). Cytogenetic location: 22q12.2.
Variant type: single nucleotide variant.
Coding change: c.1117C>T on transcript NM_000355.4 (MANE Select); coding-DNA position 1117, C replaced by T.
Protein change: p.Gln373Ter; replaces glutamine 373 with a stop codon.
Molecular consequence: nonsense.
Genome position (GRCh38, 1-based): chr22:30,622,978, C>T. VCF-style: chr22-30622978-C-T. GRCh37 (hg19) VCF-style: chr22-31018965-C-T.
Other names: c.1036C>T, p.Gln346Ter (NM_001184726.2); short protein forms Q346*, Q373*.
Identifiers: ClinVar variation 863309 (VCV000863309.7), dbSNP rs1279321570, ClinGen allele CA411216604.

ClinVar aggregate classification (germline): Pathogenic (1 of 4 stars; one submission).

Conditions:
Transcobalamin II deficiency (TCN2D). Also called: Transcolabamin II deficiency; TC II DEFICIENCY; TCN2 DEFICIENCY. Identifiers: Orphanet 859, MedGen C0342701, MONDO:0010149, OMIM 275350.

Allele frequency attached by ClinVar (database versions not stated): gnomAD exomes below 0.00001.
gnomAD v4.1: 2 of 1,614,170 alleles (0.00012%); highest among the groups gnomAD compares: Non-Finnish European, 0.00017%; no homozygotes.

Submission:

Labcorp Genetics (formerly Invitae), Labcorp
Classification: Pathogenic for Transcobalamin II deficiency. Last evaluated: 2023-06-21. Review status: criteria provided, single submitter. Criteria: Invitae Variant Classification Sherloc (09022015). Collection method: clinical testing. Allele origin: germline.
Comment: For these reasons, this variant has been classified as Pathogenic. ClinVar contains an entry for this variant (Variation ID: 863309). This variant has not been reported in the literature in individuals affected with TCN2-related conditions. This variant is present in population databases (no rsID available, gnomAD 0.0009%). This sequence change creates a premature translational stop signal (p.Gln373*) in the TCN2 gene. It is expected to result in an absent or disrupted protein product. Loss-of-function variants in TCN2 are known to be pathogenic (PMID: 7980584, 20352340).

Literature cited by the submitters: PubMed 7980584; PubMed 20352340.